The following is an entry in ClinVar:

NM_000051.4(ATM):c.462del (p.Lys154fs)

Gene: ATM (ATM serine/threonine kinase; plus strand). Cytogenetic location: 11q22.3.
Variant type: Deletion.
Coding change: c.462del on transcript NM_000051.4 (MANE Select); coding-DNA position 462, one base deleted (A; older notation c.462delA).
Protein change: p.Lys154fs; shifts the reading frame from lysine 154.
Molecular consequence: frameshift variant.
Genome position (GRCh38, 1-based): chr11:108,235,800, A deleted; the last of 4 consecutive A bases (chr11:108,235,797-108,235,800); deleting any one gives the same sequence. VCF-style (leftmost placement, unchanged base first): chr11-108235796-GA-G. GRCh37 (hg19) VCF-style: chr11-108106523-GA-G.
Other names: c.462del, p.Lys154fs (NM_001351834.2); short protein forms K154fs.
Identifiers: ClinVar variation 1742015 (VCV001742015.2), dbSNP rs2497021184, ClinGen allele CA2580083048.

ClinVar aggregate classification (germline): Pathogenic (1 of 4 stars; one submission).

Conditions:
Hereditary cancer-predisposing syndrome. Also called: Hereditary Cancer Syndrome; Hereditary neoplastic syndrome; Neoplastic Syndromes, Hereditary; Tumor predisposition. Identifiers: Orphanet 140162, MedGen C0027672, MeSH D009386, MONDO:0015356.

Submission:

Ambry Genetics
Classification: Pathogenic for Hereditary cancer-predisposing syndrome. Last evaluated: 2020-12-10. Review status: criteria provided, single submitter. Criteria: Ambry Variant Classification Scheme 2023. Collection method: clinical testing. Allele origin: germline.
Comment: The c.462delA pathogenic mutation, located in coding exon 4 of the ATM gene, results from a deletion of one nucleotide at nucleotide position 462, causing a translational frameshift with a predicted alternate stop codon (p.K154Nfs*12). This alteration is expected to result in loss of function by premature protein truncation or nonsense-mediated mRNA decay. As such, this alteration is interpreted as a disease-causing mutation.